The following is an entry in ClinVar:

ClinVar aggregate classification (germline): Likely pathogenic (1 of 4 stars; one submission).

Conditions:
ADGRV1-related disorder. Also called: ADGRV1-related condition; ADGRV1-related disorders.

Submission:

PreventionGenetics, part of Exact Sciences
Classification: Likely pathogenic for ADGRV1-related condition. Last evaluated: 2023-04-07. Review status: criteria provided, single submitter. Criteria: ACMG Guidelines, 2015. Collection method: clinical testing. Allele origin: germline.
Comment: The ADGRV1 c.3601G>T variant is predicted to result in premature protein termination (p.Glu1201*). To our knowledge, this variant has not been reported in the literature or in a large population database, indicating this variant is rare. Nonsense variants in ADGRV1 are expected to be pathogenic. This variant is interpreted as likely pathogenic.

NM_032119.4(ADGRV1):c.3601G>T (p.Glu1201Ter)

Gene: ADGRV1 (adhesion G protein-coupled receptor V1; plus strand). Cytogenetic location: 5q14.3.
Variant type: single nucleotide variant.
Coding change: c.3601G>T on transcript NM_032119.4 (MANE Select); coding-DNA position 3601, G replaced by T.
Protein change: p.Glu1201Ter; replaces glutamic acid 1201 with a stop codon.
Molecular consequence: nonsense. On other transcripts: non-coding transcript variant (1).
Genome position (GRCh38, 1-based): chr5:90,652,530, G>T. VCF-style: chr5-90652530-G-T. GRCh37 (hg19) VCF-style: chr5-89948347-G-T.
Other names: short protein forms E1201*.
Identifiers: ClinVar variation 2633617 (VCV002633617.1), dbSNP rs2532076376, ClinGen allele CA360397952.